The following is an entry in ClinVar:

NM_020843.4(SCAPER):c.1854A>G (p.Glu618=)

Gene: SCAPER (S-phase cyclin A associated protein in the ER; minus strand). Cytogenetic location: 15q24.3.
Variant type: single nucleotide variant.
Coding change: c.1854A>G on transcript NM_020843.4 (MANE Select); coding-DNA position 1854, A replaced by G.
Protein change: p.Glu618=; no amino-acid change (glutamic acid 618 retained).
Molecular consequence: synonymous variant. On other transcripts: non-coding transcript variant (1).
Genome position (GRCh38, 1-based): chr15:76,753,820, T>C on the plus strand (A>G on the coding strand, the complement: SCAPER is on the minus strand). VCF-style: chr15-76753820-T-C. GRCh37 (hg19) VCF-style: chr15-77046161-T-C.
Other names: c.1116A>G, p.Glu372= (NM_001145923.2); c.1872A>G, p.Glu624= (NM_001353009.2); c.1452A>G, p.Glu484= (NM_001353010.2, NM_001353012.2); c.1470A>G, p.Glu490= (NM_001353011.2).
Identifiers: ClinVar variation 4977227 (VCV004977227.1).

ClinVar aggregate classification (germline): Likely benign (1 of 4 stars; one submission).

Conditions:
SCAPER-related disorder. Also called: SCAPER-related condition.

gnomAD v4.1: 14 of 1,612,554 alleles (0.00087%); highest among the groups gnomAD compares: African/African-American, 0.011%; no homozygotes.

Submission:

PreventionGenetics, part of Exact Sciences
Classification: Likely benign for SCAPER-related condition. Last evaluated: 2026-01-30. Review status: criteria provided, single submitter. Criteria: ACMG Guidelines, 2015. Collection method: clinical testing. Allele origin: germline.
Comment: This variant is classified as likely benign based on ACMG/AMP sequence variant interpretation guidelines (Richards et al. 2015 PMID: 25741868, with internal and published modifications).